The following is an entry in ClinVar:

ClinVar aggregate classification (germline): Pathogenic/Likely pathogenic. Review status: criteria provided, multiple submitters, no conflicts (2 of 4 stars). 2 submissions from 2 submitters: Pathogenic (1); Likely pathogenic (1). Last evaluated 2023-05-22.

Conditions:
Nemaline myopathy 2 (NEM2). Also called: Nemaline myopathy 2, autosomal recessive. Identifiers: MedGen C1850569, MONDO:0009725, OMIM 256030.
Arthrogryposis multiplex congenita 6. Identifiers: MedGen C5543431, MONDO:0030281, OMIM 619334.

Submissions (2):

Baylor Genetics
Classification: Likely pathogenic for Arthrogryposis multiplex congenita 6. Last evaluated: 2023-05-22. Review status: criteria provided, single submitter. Criteria: ACMG Guidelines, 2015. Collection method: clinical testing. Allele origin: unknown.

Labcorp Genetics (formerly Invitae), Labcorp
Classification: Pathogenic for Nemaline myopathy 2. Last evaluated: 2019-03-12. Review status: criteria provided, single submitter. Criteria: Invitae Variant Classification Sherloc (09022015). Collection method: clinical testing. Allele origin: germline.
Comment: For these reasons, this variant has been classified as Pathogenic. Loss-of-function variants in NEB are known to be pathogenic (PMID: 25205138). This variant has not been reported in the literature in individuals with NEB-related conditions. This variant is not present in population databases (ExAC no frequency). This sequence change creates a premature translational stop signal (p.Val2332Cysfs*4) in the NEB gene. It is expected to result in an absent or disrupted protein product.

Literature cited by the submitters: PubMed 25205138 (cited by Labcorp Genetics (formerly Invitae), Labcorp).

NM_001164508.2(NEB):c.6993del (p.Val2332fs)

Gene: NEB (nebulin; minus strand). Cytogenetic location: 2q23.3.
Variant type: Deletion.
Coding change: c.6993del on transcript NM_001164508.2 (MANE Select); coding-DNA position 6993, one base deleted (T; older notation c.6993delT).
Protein change: p.Val2332fs; shifts the reading frame from valine 2332.
Molecular consequence: frameshift variant.
Genome position (GRCh38, 1-based): chr2:151,650,808, A deleted on the plus strand (T on the coding strand, the reverse complement: NEB is on the minus strand); the first of 2 consecutive A bases (chr2:151,650,808-151,650,809); deleting either gives the same sequence. VCF-style (leftmost placement, unchanged base first): chr2-151650807-CA-C. GRCh37 (hg19) VCF-style: chr2-152507321-CA-C.
Other names: c.6993del, p.Val2332fs (NM_001164507.2, NM_001271208.2, NM_004543.5); short protein forms V2332fs.
Identifiers: ClinVar variation 843176 (VCV000843176.8), dbSNP rs2099021112, ClinGen allele CA916080284.